The following is an entry in ClinVar:

NM_006015.6(ARID1A):c.843G>A (p.Ala281=)

Genes: ARID1A (AT-rich interaction domain 1A; plus strand), LOC129929837 (ATAC-STARR-seq lymphoblastoid silent region 489; plus strand). Cytogenetic location: 1p36.11.
Variant type: single nucleotide variant.
Coding change: c.843G>A on transcript NM_006015.6 (MANE Select); coding-DNA position 843, G replaced by A.
Protein change: p.Ala281=; no amino-acid change (alanine 281 retained).
Molecular consequence: synonymous variant.
Genome position (GRCh38, 1-based): chr1:26,697,246, G>A. VCF-style: chr1-26697246-G-A. GRCh37 (hg19) VCF-style: chr1-27023737-G-A.
Other names: c.843G>A, p.Ala281= (NM_139135.4); c.843G>A (LRG_875t1).
Identifiers: ClinVar variation 434317 (VCV000434317.11), dbSNP rs752424350, ClinGen allele CA706694.
Genomic context (GRCh38, chr1:26,697,246, plus strand): 5'-GTCGTCTTCGTCCTTCGCTCAGCAGCGCTTCGGGGCCATGGGGGGAGGCGGCCCCTCCGC[G>A]GCCGGCGGGGGAACTCCCCAGCCCACCGCCACCCCCACCCTCAACCAACTGCTCACGTCG-3'
Protein context (NP_006006.3, residues 271-291): FGAMGGGGPS[Ala281=]AGGGTPQPTA

ClinVar aggregate classification (germline): Likely benign. Review status: criteria provided, multiple submitters, no conflicts (2 of 4 stars). 4 submissions from 4 submitters: Likely benign (3). 1 of the submissions does not count toward it. Last evaluated 2025-07-07.

Conditions:
ARID1A-related disorder. Also called: ARID1A-related condition.

Allele frequency attached by ClinVar (database versions not stated): ExAC below 0.00001; gnomAD exomes below 0.00001; gnomAD 0.00001; TOPMed 0.00002; 1000 Genomes Project 30x 0.00031.
gnomAD v4.1: 5 of 1,371,298 alleles (0.00036%); highest among the groups gnomAD compares: East Asian, 0.015%; no homozygotes.

Submissions (4):

Labcorp Genetics (formerly Invitae), Labcorp
Classification: Likely benign. Last evaluated: 2025-07-07. Review status: criteria provided, single submitter. Criteria: Invitae Variant Classification Sherloc (09022015). Collection method: clinical testing. Allele origin: germline.

Blueprint Genetics
Classification: Likely benign. Last evaluated: 2023-05-05. Review status: criteria provided, single submitter. Criteria: ACMG Guidelines, 2015. Collection method: clinical testing. Allele origin: germline.

Genetic Services Laboratory, University of Chicago
Classification: Likely benign. Last evaluated: 2016-12-18. Review status: criteria provided, single submitter. Criteria: ACMG Guidelines, 2015. Collection method: clinical testing. Allele origin: germline. Affected: no.

PreventionGenetics, part of Exact Sciences
Classification: Likely benign for ARID1A-related condition. Last evaluated: 2024-08-12. Review status: no assertion criteria provided. Collection method: clinical testing. Allele origin: germline. Not counted in ClinVar's aggregate classification.
Comment: This variant is classified as likely benign based on ACMG/AMP sequence variant interpretation guidelines (Richards et al. 2015 PMID: 25741868, with internal and published modifications).